The following is an entry in ClinVar:

ClinVar aggregate classification (germline): Conflicting classifications of pathogenicity. Review status: criteria provided, conflicting classifications (1 of 4 stars). 5 submissions from 5 submitters: Uncertain significance (4); Likely benign (1). Last evaluated 2025-12-29.

Conditions:
Hereditary cancer-predisposing syndrome. Also called: Neoplastic Syndromes, Hereditary; Tumor predisposition; Hereditary Cancer Syndrome; Hereditary neoplastic syndrome. Identifiers: Orphanet 140162, MedGen C0027672, MeSH D009386, MONDO:0015356.
BAP1-related tumor predisposition syndrome (TPDS1). Also called: Tumor susceptibility linked to germline BAP1 mutations; BAP1 tumor predisposition syndrome; COMMON Syndrome; TUMOR PREDISPOSITION SYNDROME 1. Identifiers: Orphanet 289539, MedGen C3280492, MONDO:0013692, OMIM 614327.

Allele frequency attached by ClinVar (database versions not stated): ExAC 0.00001.
gnomAD v4.1: 5 of 1,614,098 alleles (0.00031%); highest among the groups gnomAD compares: Non-Finnish European, 0.00042%; no homozygotes.

Submissions (5):

Center for Genomic Medicine, Rigshospitalet, Copenhagen University Hospital
Classification: Uncertain significance. Last evaluated: 2025-12-29. Review status: criteria provided, single submitter. Criteria: ACMG Guidelines, 2015. Collection method: clinical testing. Allele origin: germline.

Ambry Genetics
Classification: Uncertain significance for Hereditary cancer-predisposing syndrome. Last evaluated: 2025-03-31. Review status: criteria provided, single submitter. Criteria: Ambry Variant Classification Scheme 2023. Collection method: clinical testing. Allele origin: germline.
Comment: The p.R512H variant (also known as c.1535G>A), located in coding exon 13 of the BAP1 gene, results from a G to A substitution at nucleotide position 1535. The arginine at codon 512 is replaced by histidine, an amino acid with highly similar properties. This alteration has been reported in an Italian cohort of melanoma patients (Bruno W et al. ESMO Open, 2022 Aug;7:100525).This amino acid position is highly conserved in available vertebrate species. In addition, the in silico prediction for this alteration is inconclusive. Based on the available evidence, the clinical significance of this variant remains unclear.

Labcorp Genetics (formerly Invitae), Labcorp
Classification: Uncertain significance for BAP1-related tumor predisposition syndrome. Last evaluated: 2025-03-16. Review status: criteria provided, single submitter. Criteria: Invitae Variant Classification Sherloc (09022015). Collection method: clinical testing. Allele origin: germline.
Comment: This sequence change replaces arginine, which is basic and polar, with histidine, which is basic and polar, at codon 512 of the BAP1 protein (p.Arg512His). This variant is present in population databases (rs778596308, gnomAD 0.002%). This variant has not been reported in the literature in individuals affected with BAP1-related conditions. ClinVar contains an entry for this variant (Variation ID: 819484). Invitae Evidence Modeling of protein sequence and biophysical properties (such as structural, functional, and spatial information, amino acid conservation, physicochemical variation, residue mobility, and thermodynamic stability) indicates that this missense variant is not expected to disrupt BAP1 protein function with a negative predictive value of 80%. In summary, the available evidence is currently insufficient to determine the role of this variant in disease. Therefore, it has been classified as a Variant of Uncertain Significance.

Myriad Genetics, Inc.
Classification: Likely benign for BAP1-related tumor predisposition syndrome. Last evaluated: 2024-07-16. Review status: criteria provided, single submitter. Criteria: Myriad Autosomal Dominant, Autosomal Recessive and X-Linked Classification Criteria (2023). Collection method: clinical testing. Allele origin: unknown.
Comment: This variant is considered likely benign. This variant has been observed at a population frequency that is significantly greater than expected given the associated disease prevalence and penetrance.

Baylor Genetics
Classification: Uncertain significance for BAP1-related tumor predisposition syndrome. Last evaluated: 2023-10-09. Review status: criteria provided, single submitter. Criteria: ACMG Guidelines, 2015. Collection method: clinical testing. Allele origin: unknown.

Literature cited by the submitters: PubMed 35777164 (cited by Ambry Genetics).

NM_004656.4(BAP1):c.1535G>A (p.Arg512His)

Gene: BAP1 (BRCA1 associated deubiquitinase 1; minus strand). Cytogenetic location: 3p21.1.
Variant type: single nucleotide variant.
Coding change: c.1535G>A on transcript NM_004656.4 (MANE Select); coding-DNA position 1535, G replaced by A.
Protein change: p.Arg512His; replaces arginine 512 with histidine.
Molecular consequence: missense variant.
Genome position (GRCh38, 1-based): chr3:52,403,610, C>T on the plus strand (G>A on the coding strand, the complement: BAP1 is on the minus strand). VCF-style: chr3-52403610-C-T. GRCh37 (hg19) VCF-style: chr3-52437626-C-T.
Other names: short protein forms R512H.
Identifiers: ClinVar variation 819484 (VCV000819484.15), dbSNP rs778596308, ClinGen allele CA2436784.